The following is an entry in ClinVar:

ClinVar aggregate classification (germline): Likely benign. Review status: reviewed by expert panel (3 of 4 stars). 2 submissions from 2 submitters: Likely benign (1). 1 of the submissions does not count toward it. Last evaluated 2017-06-29.

Conditions:
Hereditary cancer-predisposing syndrome. Also called: Hereditary neoplastic syndrome; Hereditary Cancer Syndrome; Neoplastic Syndromes, Hereditary; Tumor predisposition. Identifiers: Orphanet 140162, MedGen C0027672, MeSH D009386, MONDO:0015356.
Breast-ovarian cancer, familial, susceptibility to, 2 (BROVCA2). Also called: BRCA2 Hereditary Breast and Ovarian Cancer. Identifiers: Orphanet 145, MedGen C2675520, MONDO:0012933, OMIM 612555. Disease mechanism: loss of function.

Allele frequency attached by ClinVar (database versions not stated): gnomAD exomes below 0.00001; TOPMed below 0.00001.

Submissions (2):

Evidence-based Network for the Interpretation of Germline Mutant Alleles (ENIGMA)
Classification: Likely benign for Breast-ovarian cancer, familial, susceptibility to, 2. Last evaluated: 2017-06-29. Review status: reviewed by expert panel. Criteria: ENIGMA BRCA1/2 Classification Criteria (2017-06-29). Collection method: curation. Allele origin: germline.
Comment: Synonymous substitution variant, with low bioinformatic likelihood to result in a splicing aberration (Splicing prior probability 0.02).

Color Diagnostics, LLC DBA Color Health
Classification: Likely benign for Hereditary cancer-predisposing syndrome. Last evaluated: 2018-11-29. Review status: criteria provided, single submitter. Criteria: ACMG Guidelines, 2015. Collection method: clinical testing. Allele origin: germline. Not counted in ClinVar's aggregate classification.

NM_000059.4(BRCA2):c.2499G>A (p.Leu833=)

Gene: BRCA2 (BRCA2 DNA repair associated; plus strand). Cytogenetic location: 13q13.1.
Variant type: single nucleotide variant.
Coding change: c.2499G>A on transcript NM_000059.4 (MANE Select); coding-DNA position 2499, G replaced by A.
Protein change: p.Leu833=; no amino-acid change (leucine 833 retained).
Molecular consequence: synonymous variant.
Genome position (GRCh38, 1-based): chr13:32,336,854, G>A. VCF-style: chr13-32336854-G-A. GRCh37 (hg19) VCF-style: chr13-32910991-G-A.
Identifiers: ClinVar variation 427388 (VCV000427388.5), dbSNP rs1131692118, ClinGen allele CA483437235.
Genomic context (GRCh38, chr13:32,336,854, plus strand): 5'-TCCCATGGAAAAGAATCAAGATGTATGTGCTTTAAATGAAAATTATAAAAACGTTGAGCT[G>A]TTGCCACCTGAAAAATACATGAGAGTAGCATCACCTTCAAGAAAGGTACAATTCAACCAA-3'
Protein context (NP_000050.3, residues 823-843): ALNENYKNVE[Leu833=]LPPEKYMRVA